The following is an entry in ClinVar:

NM_206933.4(USH2A):c.9857_9873del (p.Leu3286fs)

Gene: USH2A (usherin; minus strand). Cytogenetic location: 1q41.
Variant type: Deletion.
Coding change: c.9857_9873del on transcript NM_206933.4 (MANE Select); coding-DNA positions 9857 to 9873, 17 bases deleted (TTCATGATGGCCATGGC).
Protein change: p.Leu3286fs; shifts the reading frame from leucine 3286.
Molecular consequence: frameshift variant.
Genome position (GRCh38, 1-based): chr1:215,798,992-215,799,008, GCCATGGCCATCATGAA deleted on the plus strand (TTCATGATGGCCATGGC on the coding strand, the reverse complement: USH2A is on the minus strand); deleting any 17 consecutive bases within chr1:215,798,992-215,799,011 gives the same sequence; the c. name uses the placement nearest the transcript's 3' end. VCF-style (leftmost placement, unchanged base first): chr1-215798991-GGCCATGGCCATCATGAA-G. GRCh37 (hg19) VCF-style: chr1-215972333-GGCCATGGCCATCATGAA-G.
Other names: short protein forms L3286fs.
Identifiers: ClinVar variation 4713438 (VCV004713438.1).

ClinVar aggregate classification (germline): Pathogenic (1 of 4 stars; one submission).

Submission:

Labcorp Genetics (formerly Invitae), Labcorp
Classification: Pathogenic. Last evaluated: 2025-03-31. Review status: criteria provided, single submitter. Criteria: Invitae Variant Classification Sherloc (09022015). Collection method: clinical testing. Allele origin: germline.
Comment: This sequence change creates a premature translational stop signal (p.Leu3286Profs*54) in the USH2A gene. It is expected to result in an absent or disrupted protein product. Loss-of-function variants in USH2A are known to be pathogenic (PMID: 10729113, 10909849, 20507924, 25649381). This variant is not present in population databases (gnomAD no frequency). This variant has not been reported in the literature in individuals affected with USH2A-related conditions. For these reasons, this variant has been classified as Pathogenic.

Literature cited by the submitters: PubMed 10729113; PubMed 10909849; PubMed 20507924; PubMed 25649381.